The following is an entry in ClinVar:

ClinVar aggregate classification (germline): Uncertain significance. Review status: criteria provided, multiple submitters, no conflicts (2 of 4 stars). 2 submissions from 2 submitters: Uncertain significance (2). Last evaluated 2020-05-27.

Conditions:
Autosomal dominant limb-girdle muscular dystrophy type 1G (LGMDD3). Also called: Limb-girdle muscular dystrophy, type 1G; MUSCULAR DYSTROPHY, LIMB-GIRDLE, AUTOSOMAL DOMINANT 3. Identifiers: Orphanet 55596, MedGen C1836765, MONDO:0012193, OMIM 609115.

Allele frequency attached by ClinVar (database versions not stated): ExAC below 0.00001; gnomAD exomes below 0.00001.

Submissions (2):

Labcorp Genetics (formerly Invitae), Labcorp
Classification: Uncertain significance for Autosomal dominant limb-girdle muscular dystrophy type 1G. Last evaluated: 2020-05-27. Review status: criteria provided, single submitter. Criteria: Invitae Variant Classification Sherloc (09022015). Collection method: clinical testing. Allele origin: germline.
Comment: This sequence change replaces proline with leucine at codon 43 of the HNRNPDL protein (p.Pro43Leu). The proline residue is moderately conserved and there is a moderate physicochemical difference between proline and leucine. The frequency data for this variant in the population databases is considered unreliable, as metrics indicate poor data quality at this position in the ExAC database. This variant has not been reported in the literature in individuals with HNRNPDL-related conditions. Algorithms developed to predict the effect of missense changes on protein structure and function are either unavailable or do not agree on the potential impact of this missense change (SIFT: "Deleterious"; PolyPhen-2: "Possibly Damaging"; Align-GVGD: "Class C0"). In summary, the available evidence is currently insufficient to determine the role of this variant in disease. Therefore, it has been classified as a Variant of Uncertain Significance.

Revvity Omics, Revvity
Classification: Uncertain significance for Autosomal dominant limb-girdle muscular dystrophy type 1G. Last evaluated: 2019-11-25. Review status: criteria provided, single submitter. Criteria: ACMG Guidelines, 2015. Collection method: clinical testing. Allele origin: germline.

NM_031372.4(HNRNPDL):c.128C>T (p.Pro43Leu)

Gene: HNRNPDL (heterogeneous nuclear ribonucleoprotein D like; minus strand). Cytogenetic location: 4q21.22.
Variant type: single nucleotide variant.
Coding change: c.128C>T on transcript NM_031372.4 (MANE Select); coding-DNA position 128, C replaced by T.
Protein change: p.Pro43Leu; replaces proline 43 with leucine.
Molecular consequence: missense variant. On other transcripts: non-coding transcript variant (1).
Genome position (GRCh38, 1-based): chr4:82,429,563, G>A on the plus strand (C>T on the coding strand, the complement: HNRNPDL is on the minus strand). VCF-style: chr4-82429563-G-A. GRCh37 (hg19) VCF-style: chr4-83350716-G-A.
Other names: c.128C>T (NM_031372.3); c.128C>T, p.Pro43Leu (NM_001207000.1); short protein forms P43L.
Identifiers: ClinVar variation 999866 (VCV000999866.11), dbSNP rs748553069, ClinGen allele CA2985137.